The following is an entry in ClinVar:

ClinVar aggregate classification (germline): Likely benign. Review status: criteria provided, multiple submitters, no conflicts (2 of 4 stars). 4 submissions from 4 submitters: Likely benign (3). 1 of the submissions does not count toward it. Last evaluated 2025-10-24.

Conditions:
Inborn genetic diseases. Identifiers: MedGen C0950123, MeSH D030342.
FAM111A-related disorder. Also called: FAM111A-related condition.

Allele frequency attached by ClinVar (database versions not stated): ESP Exome Variant Server 0.00008; gnomAD exomes 0.00010; gnomAD 0.00013; TOPMed 0.00015; ExAC 0.00016; 1000 Genomes Project 0.00020; 1000 Genomes Project 30x 0.00031.
gnomAD v4.1: 160 of 1,614,100 alleles (0.0099%); highest among the groups gnomAD compares: Middle Eastern, 0.12%; no homozygotes.

Submissions (4):

Labcorp Genetics (formerly Invitae), Labcorp
Classification: Likely benign. Last evaluated: 2025-10-24. Review status: criteria provided, single submitter. Criteria: Invitae Variant Classification Sherloc (09022015). Collection method: clinical testing. Allele origin: germline.

Blueprint Genetics
Classification: Likely benign. Last evaluated: 2024-02-29. Review status: criteria provided, single submitter. Criteria: ACMG Guidelines, 2015. Collection method: clinical testing. Allele origin: germline.

Ambry Genetics
Classification: Likely benign for Inborn genetic diseases. Last evaluated: 2021-11-15. Review status: criteria provided, single submitter. Criteria: Ambry Variant Classification Scheme 2023. Collection method: clinical testing. Allele origin: germline.

PreventionGenetics, part of Exact Sciences
Classification: Likely benign for FAM111A-related condition. Last evaluated: 2024-04-03. Review status: no assertion criteria provided. Collection method: clinical testing. Allele origin: germline. Not counted in ClinVar's aggregate classification.
Comment: This variant is classified as likely benign based on ACMG/AMP sequence variant interpretation guidelines (Richards et al. 2015 PMID: 25741868, with internal and published modifications).

NM_001312909.2(FAM111A):c.1153C>T (p.His385Tyr)

Gene: FAM111A (FAM111 trypsin like peptidase A; plus strand). Cytogenetic location: 11q12.1.
Variant type: single nucleotide variant.
Coding change: c.1153C>T on transcript NM_001312909.2 (MANE Select); coding-DNA position 1153, C replaced by T.
Protein change: p.His385Tyr; replaces histidine 385 with tyrosine.
Molecular consequence: missense variant.
Genome position (GRCh38, 1-based): chr11:59,152,821, C>T. VCF-style: chr11-59152821-C-T. GRCh37 (hg19) VCF-style: chr11-58920294-C-T.
Other names: c.1153C>T, p.His385Tyr (NM_001142519.3, NM_001142520.3, NM_001142521.3 and 29 more transcripts); c.1153C>T (NM_022074.3, NM_001142520.1); short protein forms H385Y.
Identifiers: ClinVar variation 2158690 (VCV002158690.8), dbSNP rs138457522, ClinGen allele CA6016716.